The following is an entry in ClinVar:

NM_003737.4(DCHS1):c.3016C>T (p.Arg1006Cys)

Gene: DCHS1 (dachsous cadherin-related 1; minus strand). Cytogenetic location: 11p15.4.
Variant type: single nucleotide variant.
Coding change: c.3016C>T on transcript NM_003737.4 (MANE Select); coding-DNA position 3016, C replaced by T.
Protein change: p.Arg1006Cys; replaces arginine 1006 with cysteine.
Molecular consequence: missense variant.
Genome position (GRCh38, 1-based): chr11:6,632,496, G>A on the plus strand (C>T on the coding strand, the complement: DCHS1 is on the minus strand). VCF-style: chr11-6632496-G-A. GRCh37 (hg19) VCF-style: chr11-6653727-G-A.
Other names: short protein forms R1006C.
Identifiers: ClinVar variation 2192937 (VCV002192937.4), dbSNP rs201627360, ClinGen allele CA5860616.

ClinVar aggregate classification (germline): Uncertain significance (1 of 4 stars; one submission).

Allele frequency attached by ClinVar (database versions not stated): 1000 Genomes Project 30x 0.00016; 1000 Genomes Project 0.00020.
gnomAD v4.1: 82 of 1,571,316 alleles (0.0052%); highest among the groups gnomAD compares: African/African-American, 0.011%; no homozygotes.

Submission:

Labcorp Genetics (formerly Invitae), Labcorp
Classification: Uncertain significance. Last evaluated: 2025-12-29. Review status: criteria provided, single submitter. Criteria: Invitae Variant Classification Sherloc (09022015). Collection method: clinical testing. Allele origin: germline.
Comment: This sequence change replaces arginine, which is basic and polar, with cysteine, which is neutral and slightly polar, at codon 1006 of the DCHS1 protein (p.Arg1006Cys). This variant is present in population databases (rs201627360, gnomAD 0.01%). This variant has not been reported in the literature in individuals affected with DCHS1-related conditions. ClinVar contains an entry for this variant (Variation ID: 2192937). Invitae Evidence Modeling of protein sequence and biophysical properties (such as structural, functional, and spatial information, amino acid conservation, physicochemical variation, residue mobility, and thermodynamic stability) indicates that this missense variant is expected to disrupt DCHS1 protein function with a positive predictive value of 80%. In summary, the available evidence is currently insufficient to determine the role of this variant in disease. Therefore, it has been classified as a Variant of Uncertain Significance.